The following is an entry in ClinVar:

NM_001060.6(TBXA2R):c.442C>T (p.Arg148Cys)

Gene: TBXA2R (thromboxane A2 receptor; minus strand). Cytogenetic location: 19p13.3.
Variant type: single nucleotide variant.
Coding change: c.442C>T on transcript NM_001060.6 (MANE Select); coding-DNA position 442, C replaced by T.
Protein change: p.Arg148Cys; replaces arginine 148 with cysteine.
Molecular consequence: missense variant.
Genome position (GRCh38, 1-based): chr19:3,600,193, G>A on the plus strand (C>T on the coding strand, the complement: TBXA2R is on the minus strand). VCF-style: chr19-3600193-G-A. GRCh37 (hg19) VCF-style: chr19-3600191-G-A.
Other names: c.442C>T, p.Arg148Cys (NM_201636.3); short protein forms R148C.
Identifiers: ClinVar variation 2286511 (VCV002286511.3), dbSNP rs985466939, ClinGen allele CA304368768.

ClinVar aggregate classification (germline): Uncertain significance. Review status: criteria provided, multiple submitters, no conflicts (2 of 4 stars). 2 submissions from 2 submitters: Uncertain significance (2). Last evaluated 2026-02-13.

Conditions:
Inborn genetic diseases. Identifiers: MedGen C0950123, MeSH D030342.

Allele frequency attached by ClinVar (database versions not stated): TOPMed below 0.00001; gnomAD 0.00001; gnomAD exomes 0.00001.
gnomAD v4.1: 11 of 1,594,494 alleles (0.00069%); highest among the groups gnomAD compares: Middle Eastern, 0.017%; no homozygotes.

Submissions (2):

GeneDx
Classification: Uncertain significance. Last evaluated: 2026-02-13. Review status: criteria provided, single submitter. Criteria: GeneDx Variant Classification Process June 2021. Collection method: clinical testing. Allele origin: germline.
Comment: In silico analysis supports that this missense variant has a deleterious effect on protein structure/function; Has not been previously published as pathogenic or benign to our knowledge

Ambry Genetics
Classification: Uncertain significance for Inborn genetic diseases. Last evaluated: 2022-04-28. Review status: criteria provided, single submitter. Criteria: Ambry Variant Classification Scheme 2023. Collection method: clinical testing. Allele origin: germline.